The following is an entry in ClinVar:

NM_213649.2(SFXN4):c.660A>G (p.Glu220=)

Gene: SFXN4 (sideroflexin 4; minus strand). Cytogenetic location: 10q26.11.
Variant type: single nucleotide variant.
Coding change: c.660A>G on transcript NM_213649.2 (MANE Select); coding-DNA position 660, A replaced by G.
Protein change: p.Glu220=; no amino-acid change (glutamic acid 220 retained).
Molecular consequence: synonymous variant. On other transcripts: non-coding transcript variant (1).
Genome position (GRCh38, 1-based): chr10:119,155,134, T>C on the plus strand (A>G on the coding strand, the complement: SFXN4 is on the minus strand). VCF-style: chr10-119155134-T-C. GRCh37 (hg19) VCF-style: chr10-120914646-T-C.
Identifiers: ClinVar variation 383524 (VCV000383524.2), dbSNP rs369685292, ClinGen allele CA5714438.

ClinVar aggregate classification (germline): Likely benign. Review status: criteria provided, multiple submitters, no conflicts (2 of 4 stars). 2 submissions from 2 submitters: Likely benign (2). Last evaluated 2025-08-27.

Allele frequency attached by ClinVar (database versions not stated): gnomAD exomes 0.00002 and 0.00006; gnomAD 0.00003 and 0.00004; TOPMed 0.00006; ExAC 0.00007; ESP Exome Variant Server 0.00008; 1000 Genomes Project 30x 0.00016; 1000 Genomes Project 0.00020.
gnomAD v4.1: 41 of 1,614,184 alleles (0.0025%); highest among the groups gnomAD compares: East Asian, 0.036%; no homozygotes.

Submissions (2):

Labcorp Genetics (formerly Invitae), Labcorp
Classification: Likely benign. Last evaluated: 2025-08-27. Review status: criteria provided, single submitter. Criteria: Invitae Variant Classification Sherloc (09022015). Collection method: clinical testing. Allele origin: germline.

GeneDx
Classification: Likely benign. Last evaluated: 2016-03-17. Review status: criteria provided, single submitter. Criteria: GeneDx Variant Classification (06012015). Collection method: clinical testing. Allele origin: germline. Affected: yes.
Comment: This variant is considered likely benign or benign based on one or more of the following criteria: it is a conservative change, it occurs at a poorly conserved position in the protein, it is predicted to be benign by multiple in silico algorithms, and/or has population frequency not consistent with disease.